The following is an entry in ClinVar:

NM_006922.4(SCN3A):c.2614A>C (p.Ile872Leu)

Gene: SCN3A (sodium voltage-gated channel alpha subunit 3; minus strand). Cytogenetic location: 2q24.3.
Variant type: single nucleotide variant.
Coding change: c.2614A>C on transcript NM_006922.4 (MANE Select); coding-DNA position 2614, A replaced by C.
Protein change: p.Ile872Leu; replaces isoleucine 872 with leucine.
Molecular consequence: missense variant.
Genome position (GRCh38, 1-based): chr2:165,130,248, T>G on the plus strand (A>C on the coding strand, the complement: SCN3A is on the minus strand). VCF-style: chr2-165130248-T-G. GRCh37 (hg19) VCF-style: chr2-165986758-T-G.
Other names: c.2467A>C, p.Ile823Leu (NM_001081676.2, NM_001081677.2); short protein forms I823L, I872L.
Identifiers: ClinVar variation 1051623 (VCV001051623.10), dbSNP rs2105772900, ClinGen allele CA349042921.

ClinVar aggregate classification (germline): Uncertain significance (1 of 4 stars; one submission).

Submission:

Labcorp Genetics (formerly Invitae), Labcorp
Classification: Uncertain significance. Last evaluated: 2022-07-11. Review status: criteria provided, single submitter. Criteria: Invitae Variant Classification Sherloc (09022015). Collection method: clinical testing. Allele origin: germline.
Comment: In summary, the available evidence is currently insufficient to determine the role of this variant in disease. Therefore, it has been classified as a Variant of Uncertain Significance. Algorithms developed to predict the effect of missense changes on protein structure and function (SIFT, PolyPhen-2, Align-GVGD) all suggest that this variant is likely to be tolerated. ClinVar contains an entry for this variant (Variation ID: 1051623). This variant has not been reported in the literature in individuals affected with SCN3A-related conditions. This variant is not present in population databases (gnomAD no frequency). This sequence change replaces isoleucine, which is neutral and non-polar, with leucine, which is neutral and non-polar, at codon 872 of the SCN3A protein (p.Ile872Leu).